The following is an entry in ClinVar:

ClinVar aggregate classification (germline): Uncertain significance. Review status: criteria provided, multiple submitters, no conflicts (2 of 4 stars). 2 submissions from 2 submitters: Uncertain significance (2). Last evaluated 2023-04-20.

Conditions:
Monocytopenia with susceptibility to infections. Also called: MONOCYTOPENIA AND MYCOBACTERIAL INFECTION SYNDROME; MONOCYTOPENIA WITH SUSCEPTIBILITY TO MYCOBACTERIAL, FUNGAL, AND PAPILLOMAVIRUS INFECTIONS AND MYELODYSPLASIA; COMBINED IMMUNODEFICIENCY WITH SUSCEPTIBILITY TO MYCOBACTERIAL, VIRAL, AND FUNGAL INFECTIONS; Dendritic cell, monocyte, B lymphocyte, and natural killer lymphocyte deficiency; IMMUNODEFICIENCY 21; GATA2 DEFICIENCY. Identifiers: Orphanet 228423, MedGen C3280030, MONDO:0013607, OMIM 614172.
Deafness-lymphedema-leukemia syndrome. Also called: Lymphedema, primary, with myelodysplasia; Emberger syndrome. Identifiers: Orphanet 3226, MedGen C3279664, MONDO:0013540, OMIM 614038.

Submissions (2):

Labcorp Genetics (formerly Invitae), Labcorp
Classification: Uncertain significance for Monocytopenia with susceptibility to infections; Deafness-lymphedema-leukemia syndrome. Last evaluated: 2023-04-20. Review status: criteria provided, single submitter. Criteria: Invitae Variant Classification Sherloc (09022015). Collection method: clinical testing. Allele origin: germline.
Comment: In summary, the available evidence is currently insufficient to determine the role of this variant in disease. Therefore, it has been classified as a Variant of Uncertain Significance. An algorithm developed to predict the effect of missense changes on protein structure and function (PolyPhen-2) suggests that this variant is likely to be disruptive. This variant has not been reported in the literature in individuals affected with GATA2-related conditions. This variant is not present in population databases (gnomAD no frequency). This sequence change replaces leucine, which is neutral and non-polar, with proline, which is neutral and non-polar, at codon 339 of the GATA2 protein (p.Leu339Pro).

GeneDx
Classification: Uncertain significance. Last evaluated: 2023-02-28. Review status: criteria provided, single submitter. Criteria: GeneDx Variant Classification Process June 2021. Collection method: clinical testing. Allele origin: germline. Affected: yes.
Comment: Not observed at significant frequency in large population cohorts (gnomAD); In silico analysis supports that this missense variant has a deleterious effect on protein structure/function; Has not been previously published as pathogenic or benign to our knowledge

NM_032638.5(GATA2):c.1016T>C (p.Leu339Pro)

Gene: GATA2 (GATA binding protein 2; minus strand). Cytogenetic location: 3q21.3.
Variant type: single nucleotide variant.
Coding change: c.1016T>C on transcript NM_032638.5 (MANE Select); coding-DNA position 1016, T replaced by C.
Protein change: p.Leu339Pro; replaces leucine 339 with proline.
Molecular consequence: missense variant.
Genome position (GRCh38, 1-based): chr3:128,483,861, A>G on the plus strand (T>C on the coding strand, the complement: GATA2 is on the minus strand). VCF-style: chr3-128483861-A-G. GRCh37 (hg19) VCF-style: chr3-128202704-A-G.
Other names: c.1016T>C, p.Leu339Pro (NM_001145661.2, NM_001145662.1); short protein forms L339P.
Identifiers: ClinVar variation 2578162 (VCV002578162.4), dbSNP rs2472924515, ClinGen allele CA354404225.